The following is an entry in ClinVar:

ClinVar aggregate classification (germline): Uncertain significance (1 of 4 stars; one submission).

Conditions:
Combined deficiency of sialidase AND beta galactosidase (GSL). Also called: NEURAMINIDASE DEFICIENCY WITH BETA-GALACTOSIDASE DEFICIENCY; NEURAMINIDASE/BETA-GALACTOSIDASE EXPRESSION; PPCA DEFICIENCY; PROTECTIVE PROTEIN/CATHEPSIN A DEFICIENCY; GOLDBERG SYNDROME; CATHEPSIN A DEFICIENCY. Identifiers: Orphanet 351, MedGen C0268233, MONDO:0009737, OMIM 256540.

Submission:

Labcorp Genetics (formerly Invitae), Labcorp
Classification: Uncertain significance for Combined deficiency of sialidase AND beta galactosidase. Last evaluated: 2022-08-11. Review status: criteria provided, single submitter. Criteria: Invitae Variant Classification Sherloc (09022015). Collection method: clinical testing. Allele origin: germline.
Comment: This variant, c.99_110del, results in the deletion of 4 amino acid(s) of the CTSA protein (p.Leu34_Leu37del), but otherwise preserves the integrity of the reading frame. The frequency data for this variant in the population databases is considered unreliable, as metrics indicate poor data quality at this position in the gnomAD database. This variant has not been reported in the literature in individuals affected with CTSA-related conditions. Experimental studies and prediction algorithms are not available or were not evaluated, and the functional significance of this variant is currently unknown. In summary, the available evidence is currently insufficient to determine the role of this variant in disease. Therefore, it has been classified as a Variant of Uncertain Significance.

NM_000308.4(CTSA):c.33GCT[4] (p.Leu16_Leu19del)

Gene: CTSA (cathepsin A; plus strand). Cytogenetic location: 20q13.12.
Variant type: Microsatellite.
Coding change: c.33GCT[4] on transcript NM_000308.4 (MANE Select); four copies in a row of the 3-base unit GCT starting at c.33; the reference has eight copies in a row; four copies, 12 bases deleted.
Protein change: p.Leu16_Leu19del.
Molecular consequence: inframe deletion. On other transcripts: non-coding transcript variant (1).
Genome position (GRCh38, 1-based): chr20:45,891,613-45,891,624, GCTGCTGCTGCT deleted; deleting any 12 consecutive bases within chr20:45,891,599-45,891,624 gives the same sequence; the position shown is the placement nearest the transcript's 3' end. VCF-style (leftmost placement, unchanged base first): chr20-45891598-CCTGCTGCTGCTG-C. GRCh37 (hg19) VCF-style: chr20-44520237-CCTGCTGCTGCTG-C.
Other names: c.33GCT[4], p.Leu16_Leu19del (NM_001127695.3, NM_001167594.3).
Identifiers: ClinVar variation 1346626 (VCV001346626.4), dbSNP rs72555383, ClinGen allele CA9882899.